The following is an entry in ClinVar:

ClinVar aggregate classification (germline): Uncertain significance. Review status: criteria provided, multiple submitters, no conflicts (2 of 4 stars). 2 submissions from 2 submitters: Uncertain significance (2). Last evaluated 2023-02-14.

Conditions:
Hereditary cancer-predisposing syndrome. Also called: Hereditary neoplastic syndrome; Neoplastic Syndromes, Hereditary; Tumor predisposition; Hereditary Cancer Syndrome. Identifiers: Orphanet 140162, MedGen C0027672, MeSH D009386, MONDO:0015356.
Ataxia-telangiectasia syndrome (AT). Also called: Ataxia telangiectasia (A-T); LOUIS-BAR SYNDROME; Cerebello-oculocutaneous telangiectasia; Immunodeficiency with ataxia telangiectasia; Ataxia-telangiectasia, complementation group D; AT, COMPLEMENTATION GROUP C. Identifiers: Orphanet 100, MedGen C0004135, MONDO:0008840, OMIM 208900.

Allele frequency attached by ClinVar (database versions not stated): gnomAD 0.00001; 1000 Genomes Project 0.00020; 1000 Genomes Project 30x 0.00031.

Submissions (2):

Ambry Genetics
Classification: Uncertain significance for Hereditary cancer-predisposing syndrome. Last evaluated: 2023-02-14. Review status: criteria provided, single submitter. Criteria: Ambry Variant Classification Scheme 2023. Collection method: clinical testing. Allele origin: germline.
Comment: The c.2466+4A>G intronic variant results from an A to G substitution 4 nucleotides after coding exon 15 in the ATM gene. This nucleotide position is highly conserved in available vertebrate species. In silico splice site analysis predicts that this alteration will weaken the native splice donor site and will result in the creation or strengthening of a novel splice donor site. Since supporting evidence is limited at this time, the clinical significance of this alteration remains unclear.

Labcorp Genetics (formerly Invitae), Labcorp
Classification: Uncertain significance for Ataxia-telangiectasia syndrome. Last evaluated: 2021-06-26. Review status: criteria provided, single submitter. Criteria: Invitae Variant Classification Sherloc (09022015). Collection method: clinical testing. Allele origin: germline.
Comment: This variant has not been reported in the literature in individuals with ATM-related conditions. ClinVar contains an entry for this variant (Variation ID: 407612). This variant is present in population databases (rs563482577, ExAC 0.009%). Nucleotide substitutions within the consensus splice site are a relatively common cause of aberrant splicing (PMID: 17576681, 9536098). Algorithms developed to predict the effect of sequence changes on RNA splicing suggest that this variant may disrupt the consensus splice site, but this prediction has not been confirmed by published transcriptional studies. This sequence change falls in intron 16 of the ATM gene. It does not directly change the encoded amino acid sequence of the ATM protein. It affects a nucleotide within the consensus splice site of the intron. In summary, the available evidence is currently insufficient to determine the role of this variant in disease. Therefore, it has been classified as a Variant of Uncertain Significance.

Literature cited by the submitters: PubMed 17576681 (cited by Labcorp Genetics (formerly Invitae), Labcorp); PubMed 9536098 (cited by Labcorp Genetics (formerly Invitae), Labcorp).

NM_000051.4(ATM):c.2466+4A>G

Gene: ATM (ATM serine/threonine kinase; plus strand). Cytogenetic location: 11q22.3.
Variant type: single nucleotide variant.
Coding change: c.2466+4A>G on transcript NM_000051.4 (MANE Select); 4 bases into the intron after coding-DNA position 2466, A replaced by G.
Molecular consequence: intron variant.
Genome position (GRCh38, 1-based): chr11:108,259,079, A>G. VCF-style: chr11-108259079-A-G. GRCh37 (hg19) VCF-style: chr11-108129806-A-G.
Other names: c.2466+4A>G (NM_001351834.2).
Identifiers: ClinVar variation 407612 (VCV000407612.11), dbSNP rs563482577, ClinGen allele CA6265027.